The following is an entry in ClinVar:

ClinVar aggregate classification (germline): Uncertain significance. Review status: criteria provided, multiple submitters, no conflicts (2 of 4 stars). 2 submissions from 2 submitters: Uncertain significance (2). Last evaluated 2022-11-17.

Conditions:
Bethlem myopathy 1A. Also called: Bethlem Muscular Dystrophy; MYOPATHY, BENIGN CONGENITAL, WITH CONTRACTURES; Bethlem myopathy 1. Identifiers: Orphanet 610, MedGen CN029274, MONDO:0024530, OMIM 158810.

Allele frequency attached by ClinVar (database versions not stated): gnomAD 0.00002; TOPMed 0.00002; ExAC 0.00003.
gnomAD v4.1: 50 of 1,613,752 alleles (0.0031%); highest among the groups gnomAD compares: East Asian, 0.0067%; no homozygotes.

Submissions (2):

Labcorp Genetics (formerly Invitae), Labcorp
Classification: Uncertain significance for Bethlem myopathy 1A. Last evaluated: 2022-11-17. Review status: criteria provided, single submitter. Criteria: Invitae Variant Classification Sherloc (09022015). Collection method: clinical testing. Allele origin: germline.
Comment: This missense change has been observed in individual(s) with aortic dissection (PMID: 32154576). This variant is present in population databases (rs769656291, gnomAD 0.003%). This sequence change replaces arginine, which is basic and polar, with histidine, which is basic and polar, at codon 2811 of the COL6A3 protein (p.Arg2811His). In summary, the available evidence is currently insufficient to determine the role of this variant in disease. Therefore, it has been classified as a Variant of Uncertain Significance. Advanced modeling of protein sequence and biophysical properties (such as structural, functional, and spatial information, amino acid conservation, physicochemical variation, residue mobility, and thermodynamic stability) performed at Invitae indicates that this missense variant is expected to disrupt COL6A3 protein function. ClinVar contains an entry for this variant (Variation ID: 497199). This variant is also known as c.6611G>A, p.R2204H.

Eurofins Ntd Llc (ga)
Classification: Uncertain significance. Last evaluated: 2016-11-04. Review status: criteria provided, single submitter. Criteria: EGL Classification Definitions 2015. Collection method: clinical testing. Allele origin: germline. Observed: 1 variant allele, 1 heterozygote.

Literature cited by the submitters: PubMed 32154576 (cited by Labcorp Genetics (formerly Invitae), Labcorp).

NM_004369.4(COL6A3):c.8432G>A (p.Arg2811His)

Gene: COL6A3 (collagen type VI alpha 3 chain; minus strand). Cytogenetic location: 2q37.3.
Variant type: single nucleotide variant.
Coding change: c.8432G>A on transcript NM_004369.4 (MANE Select); coding-DNA position 8432, G replaced by A.
Protein change: p.Arg2811His; replaces arginine 2811 with histidine.
Molecular consequence: missense variant.
Genome position (GRCh38, 1-based): chr2:237,340,484, C>T on the plus strand (G>A on the coding strand, the complement: COL6A3 is on the minus strand). VCF-style: chr2-237340484-C-T. GRCh37 (hg19) VCF-style: chr2-238249127-C-T.
Other names: c.6611G>A, p.Arg2204His (NM_057166.5); c.7814G>A, p.Arg2605His (NM_057167.4); short protein forms R2811H, R2605H, R2204H.
Identifiers: ClinVar variation 497199 (VCV000497199.8), dbSNP rs769656291, ClinGen allele CA2187551.